The following is an entry in ClinVar:

NM_001035.3(RYR2):c.3279C>T (p.Thr1093=)

Gene: RYR2 (ryanodine receptor 2; plus strand). Cytogenetic location: 1q43.
Variant type: single nucleotide variant.
Coding change: c.3279C>T on transcript NM_001035.3 (MANE Select); coding-DNA position 3279, C replaced by T.
Protein change: p.Thr1093=; no amino-acid change (threonine 1093 retained).
Molecular consequence: synonymous variant.
Genome position (GRCh38, 1-based): chr1:237,566,631, C>T. VCF-style: chr1-237566631-C-T. GRCh37 (hg19) VCF-style: chr1-237729931-C-T.
Identifiers: ClinVar variation 3073805 (VCV003073805.1), dbSNP rs985797214, ClinGen allele CA071361.

ClinVar aggregate classification (germline): Likely benign (1 of 4 stars; one submission).

Conditions:
Catecholaminergic polymorphic ventricular tachycardia (CVPT). Also called: Catecholamine-induced polymorphic ventricular tachycardia. Identifiers: Orphanet 3286, MedGen C5574922, MONDO:0017990.

Allele frequency attached by ClinVar (database versions not stated): gnomAD exomes below 0.00001; gnomAD 0.00001.
gnomAD v4.1: 2 of 1,613,846 alleles (0.00012%); highest among the groups gnomAD compares: East Asian, 0.0022%; no homozygotes.

Submission:

All of Us Research Program, National Institutes of Health
Classification: Likely benign for Catecholaminergic polymorphic ventricular tachycardia. Last evaluated: 2023-10-06. Review status: criteria provided, single submitter. Criteria: ACMG Guidelines, 2015. Collection method: clinical testing. Allele origin: germline. Inheritance: Autosomal dominant inheritance. Observed: 1 variant allele, 1 heterozygote.
Comment: This study involves interpretation of variants in research participants for the purpose of population health screening. Participant phenotype was not available at the time of variant classification. Additional details can be found in publication PMID: 35346344, PMCID: PMC8962531